The following is an entry in ClinVar:

ClinVar aggregate classification (germline): Uncertain significance (1 of 4 stars; one submission).

Submission:

Labcorp Genetics (formerly Invitae), Labcorp
Classification: Uncertain significance. Last evaluated: 2025-08-29. Review status: criteria provided, single submitter. Criteria: Invitae Variant Classification Sherloc (09022015). Collection method: clinical testing. Allele origin: germline.
Comment: This sequence change replaces valine, which is neutral and non-polar, with methionine, which is neutral and non-polar, at codon 156 of the GALNT2 protein (p.Val156Met). The frequency data for this variant in the population databases is considered unreliable, as metrics indicate poor data quality at this position in the gnomAD database. This variant has not been reported in the literature in individuals affected with GALNT2-related conditions. Invitae Evidence Modeling of protein sequence and biophysical properties (such as structural, functional, and spatial information, amino acid conservation, physicochemical variation, residue mobility, and thermodynamic stability) indicates that this missense variant is not expected to disrupt GALNT2 protein function with a negative predictive value of 80%. In summary, the available evidence is currently insufficient to determine the role of this variant in disease. Therefore, it has been classified as a Variant of Uncertain Significance.

NM_004481.5(GALNT2):c.466G>A (p.Val156Met)

Gene: GALNT2 (polypeptide N-acetylgalactosaminyltransferase 2; plus strand). Cytogenetic location: 1q42.13.
Variant type: single nucleotide variant.
Coding change: c.466G>A on transcript NM_004481.5 (MANE Select); coding-DNA position 466, G replaced by A.
Protein change: p.Val156Met; replaces valine 156 with methionine.
Molecular consequence: missense variant.
Genome position (GRCh38, 1-based): chr1:230,236,105, G>A. VCF-style: chr1-230236105-G-A. GRCh37 (hg19) VCF-style: chr1-230371851-G-A.
Other names: c.352G>A, p.Val118Met (NM_001291866.2); short protein forms V156M, V118M.
Identifiers: ClinVar variation 4694853 (VCV004694853.1).